The following is an entry in ClinVar:

NM_000046.5(ARSB):c.275C>A (p.Thr92Lys)

Genes: ARSB (arylsulfatase B; minus strand), LOC129994126 (ATAC-STARR-seq lymphoblastoid silent region 16127; plus strand). Cytogenetic location: 5q14.1.
Variant type: single nucleotide variant.
Coding change: c.275C>A on transcript NM_000046.5 (MANE Select); coding-DNA position 275, C replaced by A.
Protein change: p.Thr92Lys; replaces threonine 92 with lysine.
Molecular consequence: missense variant.
Genome position (GRCh38, 1-based): chr5:78,984,974, G>T on the plus strand (C>A on the coding strand, the complement: ARSB is on the minus strand). VCF-style: chr5-78984974-G-T. GRCh37 (hg19) VCF-style: chr5-78280797-G-T.
Other names: c.275C>A (NM_000046.3); c.275C>A, p.Thr92Lys (NM_198709.3); short protein forms T92K.
Identifiers: ClinVar variation 559758 (VCV000559758.11), dbSNP rs751010538, ClinGen allele CA360196438.

ClinVar aggregate classification (germline): Pathogenic/Likely pathogenic. Review status: criteria provided, multiple submitters, no conflicts (2 of 4 stars). 6 submissions from 6 submitters: Pathogenic (3); Likely pathogenic (2). 1 of the submissions does not count toward it. Last evaluated 2025-05-16.

Conditions:
ARSB-related disorder. Also called: ARSB-related condition.
Mucopolysaccharidosis type 6 (MPS6). Also called: N-ACETYLGALACTOSAMINE-4-SULFATASE DEFICIENCY; MPS VI; MPS 6; Maroteaux Lamy syndrome; ARSB DEFICIENCY; ARYLSULFATASE B DEFICIENCY. Identifiers: Orphanet 583, MedGen C0026709, MONDO:0009661, OMIM 253200.

Submissions (6):

Natera, Inc.
Classification: Likely pathogenic for Mucopolysaccharidosis type VI. Last evaluated: 2025-05-16. Review status: criteria provided, single submitter. Criteria: Natera Variant Classification Schema (03/2026). Collection method: clinical testing. Allele origin: germline.
Comment: The c.275C>A variant in ARSB is a missense variant predicted to cause substitution of threonine to lysine at amino acid 92. This variant is rare in the general population with a frequency below the threshold expected for the associated phenotype(s). This variant has been observed in one or more individuals affected with the associated recessive disease, as either homozygous or compound heterozygous with a second variant (PMID: 17458871, 22133300, 24373060, 35118118). Computational prediction algorithms indicate this variant is likely to affect gene or protein function. Given the available evidence, this variant is classified as Likely Pathogenic.

GeneDx
Classification: Pathogenic. Last evaluated: 2025-04-26. Review status: criteria provided, single submitter. Criteria: GeneDx Variant Classification Process June 2021. Collection method: clinical testing. Allele origin: germline. Affected: yes.
Comment: Not observed at significant frequency in large population cohorts (gnomAD); In silico analysis supports that this missense variant has a deleterious effect on protein structure/function; This variant is associated with the following publications: (PMID: 31991612, 22133300, 24798265, 30118150, 40150022, 35005816, 17458871, 30982216, 24373060, 35118118)

PreventionGenetics, part of Exact Sciences
Classification: Likely pathogenic for ARSB-related condition. Last evaluated: 2023-09-30. Review status: criteria provided, single submitter. Criteria: ACMG Guidelines, 2015. Collection method: clinical testing. Allele origin: germline.
Comment: The ARSB c.275C>A variant is predicted to result in the amino acid substitution p.Thr92Lys. This variant was reported in the compound heterozygous and homozygous state in several unrelated individuals with mucopolysaccharidosis VI (Supp. Table 1 in Karageorgos et al 2007. PubMed ID: 17458871; Jafaryazdi R et al 2019. PubMed ID: 30982216). Other amino acid substitutions at this position (p.Thr92Met, p.Thr92Pro) have also been reported in patients with mucopolysaccharidosis VI (Litjens et al 1996. PubMed ID: 8651289; Abbasi et al 2017. PubMed ID: 29202552). This variant has not been reported in a large population database, indicating this variant is rare. This variant is interpreted as likely pathogenic.

Baylor Genetics
Classification: Pathogenic for Mucopolysaccharidosis type 6. Last evaluated: 2023-02-23. Review status: criteria provided, single submitter. Criteria: ACMG Guidelines, 2015. Collection method: clinical testing. Allele origin: unknown.

Labcorp Genetics (formerly Invitae), Labcorp
Classification: Pathogenic for Mucopolysaccharidosis type 6. Last evaluated: 2022-06-23. Review status: criteria provided, single submitter. Criteria: Invitae Variant Classification Sherloc (09022015). Collection method: clinical testing. Allele origin: germline.
Comment: Advanced modeling of protein sequence and biophysical properties (such as structural, functional, and spatial information, amino acid conservation, physicochemical variation, residue mobility, and thermodynamic stability) performed at Invitae indicates that this missense variant is expected to disrupt ARSB protein function. For these reasons, this variant has been classified as Pathogenic. This variant disrupts the p.Thr92 amino acid residue in ARSB. Other variant(s) that disrupt this residue have been observed in individuals with ARSB-related conditions (PMID: 8651289, 29202552), which suggests that this may be a clinically significant amino acid residue. ClinVar contains an entry for this variant (Variation ID: 559758). This missense change has been observed in individual(s) with mucopolysaccharidosis type VI (PMID: 17458871, 30982216). This variant is not present in population databases (gnomAD no frequency). This sequence change replaces threonine, which is neutral and polar, with lysine, which is basic and polar, at codon 92 of the ARSB protein (p.Thr92Lys).

Laboratory of Diagnosis and Therapy of Lysosomal Disorders, University of Padova
Classification: Uncertain significance for Mucopolysaccharidosis type 6. Last evaluated: 2018-01-01. Review status: flagged submission. Criteria: ACMG Guidelines, 2015. Collection method: curation. Allele origin: germline. Affected: yes. Not counted in ClinVar's aggregate classification.
Comment: Absent from GnomAD (PM2); Reputable source identifies as pathogenic (PP5)
ClinVar note: Reason: Older claim that does not account for recent evidence

Literature cited by the submitters: PubMed 17458871 (cited by 3 submitters); PubMed 22133300 (cited by Natera, Inc. and Laboratory of Diagnosis and Therapy of Lysosomal Disorders, University of Padova); PubMed 24373060 (cited by Natera, Inc. and Laboratory of Diagnosis and Therapy of Lysosomal Disorders, University of Padova); PubMed 35118118 (cited by Natera, Inc.); PubMed 8651289 (cited by Labcorp Genetics (formerly Invitae), Labcorp); PubMed 29202552 (cited by Labcorp Genetics (formerly Invitae), Labcorp); PubMed 30982216 (cited by Labcorp Genetics (formerly Invitae), Labcorp); PubMed 24798265 (cited by Laboratory of Diagnosis and Therapy of Lysosomal Disorders, University of Padova); PubMed 30118150 (cited by Laboratory of Diagnosis and Therapy of Lysosomal Disorders, University of Padova).